The following is an entry in ClinVar:

NM_001103.4(ACTN2):c.1625T>G (p.Met542Arg)

Gene: ACTN2 (actinin alpha 2; plus strand). Cytogenetic location: 1q43.
Variant type: single nucleotide variant.
Coding change: c.1625T>G on transcript NM_001103.4 (MANE Select); coding-DNA position 1625, T replaced by G.
Protein change: p.Met542Arg; replaces methionine 542 with arginine.
Molecular consequence: missense variant.
Genome position (GRCh38, 1-based): chr1:236,749,233, T>G. VCF-style: chr1-236749233-T-G. GRCh37 (hg19) VCF-style: chr1-236912533-T-G.
Other names: c.1625T>G (NM_001103.2); c.1625T>G, p.Met542Arg (NM_001278343.2); c.1001T>G, p.Met334Arg (NM_001278344.2); short protein forms M542R, M334R.
Identifiers: ClinVar variation 412275 (VCV000412275.10), dbSNP rs778713804, ClinGen allele CA1473206.

ClinVar aggregate classification (germline): Conflicting classifications of pathogenicity. Review status: criteria provided, conflicting classifications (1 of 4 stars). 2 submissions from 2 submitters: Uncertain significance (1); Likely benign (1). Last evaluated 2025-06-10.

Conditions:
Dilated cardiomyopathy 1AA (CMD1AA). Also called: CARDIOMYOPATHY, DILATED, 1AA, WITH OR WITHOUT LEFT VENTRICULAR NONCOMPACTION; CARDIOMYOPATHY, FAMILIAL HYPERTROPHIC, 23, WITH OR WITHOUT LEFT VENTRICULAR NONCOMPACTION; Cardiomyopathy, dilated, 1AA, with or without LVNC. Identifiers: Orphanet 154, MedGen C2677338, MONDO:0012808, OMIM 612158.
Primary familial hypertrophic cardiomyopathy (HCM). Identifiers: Orphanet 99739, MedGen C0949658, MeSH D024741, MONDO:0024573. Inheritance: Various modes of inheritance.
Cardiovascular phenotype. Identifiers: MedGen CN230736.

Allele frequency attached by ClinVar (database versions not stated): gnomAD 0.00001; ExAC 0.00002; TOPMed 0.00002.

Submissions (2):

Ambry Genetics
Classification: Uncertain significance for Cardiovascular phenotype. Last evaluated: 2025-06-10. Review status: criteria provided, single submitter. Criteria: Ambry Variant Classification Scheme 2023. Collection method: clinical testing. Allele origin: germline.
Comment: The p.M542R variant (also known as c.1625T>G), located in coding exon 14 of the ACTN2 gene, results from a T to G substitution at nucleotide position 1625. The methionine at codon 542 is replaced by arginine, an amino acid with similar properties. This amino acid position is conserved. In addition, the in silico prediction for this alteration is inconclusive. Based on the available evidence, the clinical significance of this variant remains unclear.

Labcorp Genetics (formerly Invitae), Labcorp
Classification: Likely benign for Primary familial hypertrophic cardiomyopathy; Dilated cardiomyopathy 1AA. Last evaluated: 2024-11-07. Review status: criteria provided, single submitter. Criteria: Invitae Variant Classification Sherloc (09022015). Collection method: clinical testing. Allele origin: germline.